The following is an entry in ClinVar:

NM_005045.4(RELN):c.9444-219T>G

Genes: RELN (reelin; minus strand), SLC26A5-AS1 (SLC26A5 antisense RNA 1; plus strand). Cytogenetic location: 7q22.1.
Variant type: single nucleotide variant.
Coding change: c.9444-219T>G on transcript NM_005045.4 (MANE Select); 219 bases into the intron before coding-DNA position 9444, T replaced by G.
Molecular consequence: intron variant.
Genome position (GRCh38, 1-based): chr7:103,491,048, A>C on the plus strand (T>G on the coding strand, the complement: RELN is on the minus strand). VCF-style: chr7-103491048-A-C. GRCh37 (hg19) VCF-style: chr7-103131495-A-C.
Other names: c.9444-219T>G (NM_173054.3).
Identifiers: ClinVar variation 669140 (VCV000669140.1), dbSNP rs971846, ClinGen allele CA12652682.

ClinVar aggregate classification (germline): Benign (1 of 4 stars; one submission).

Allele frequency attached by ClinVar (database versions not stated): gnomAD 0.19649 and 0.19689; TOPMed 0.19912; 1000 Genomes Project 0.23442; 1000 Genomes Project 30x 0.23876.
gnomAD v4.1: 29,829 of 152,236 alleles (20%); highest among the groups gnomAD compares: African/African-American, 30%; 3,286 homozygotes.

Submission:

GeneDx
Classification: Benign. Last evaluated: 2018-06-19. Review status: criteria provided, single submitter. Criteria: GeneDx Variant Classification (06012015). Collection method: clinical testing. Allele origin: germline. Affected: yes.
Comment: This variant is considered likely benign or benign based on one or more of the following criteria: it is a conservative change, it occurs at a poorly conserved position in the protein, it is predicted to be benign by multiple in silico algorithms, and/or has population frequency not consistent with disease.